The following is an entry in ClinVar:

ClinVar aggregate classification (germline): Uncertain significance. Review status: criteria provided, multiple submitters, no conflicts (2 of 4 stars). 16 submissions from 16 submitters: Uncertain significance (14). 2 of the submissions do not count toward it. Last evaluated 2026-06-11.

Conditions:
CFTR-related disorder (CFTR-RD). Also called: CFTR-related disorders; CFTR-related condition. Identifiers: MedGen C5924204, MONDO:7770004.
Cystic fibrosis (CF). Also called: MUCOVISCIDOSIS. Identifiers: Orphanet 586, MedGen C0010674, MONDO:0009061, OMIM 219700. Disease mechanism: loss of function.

Allele frequency attached by ClinVar (database versions not stated): ExAC 0.00005; gnomAD exomes 0.00005 and 0.00010; gnomAD 0.00008; TOPMed 0.00012; 1000 Genomes Project 30x 0.00031; 1000 Genomes Project 0.00040.
gnomAD v4.1: 88 of 1,613,174 alleles (0.0055%); highest among the groups gnomAD compares: Admixed American, 0.045%; no homozygotes.

Submissions (16):

PreventionGenetics, part of Exact Sciences
Classification: Uncertain significance for CFTR-related condition. Last evaluated: 2026-06-11. Review status: criteria provided, single submitter. Criteria: ACMG Guidelines, 2015. Collection method: clinical testing. Allele origin: germline.
Comment: The CFTR c.3025G>A variant is predicted to result in the amino acid substitution p.Ala1009Thr. This variant has been identified in the heterozygous state in an individual with idiopathic pancreatitis (Hamoir et al. 2013. PubMed ID: 23751316), in a cohort of Hispanic individuals with clinical manifestations consistent with cystic fibrosis (Schrijver et al. 2005. PubMed ID: 15858154), and in the control population in a study of individuals with infertility (Morea et al. 2005. PubMed ID: 16126774). This variant has also been reported to be associated with chronic bronchitis in smokers (Table S1, Saferali et al. 2022. PubMed ID: 34996830). This variant is reported in 0.029% of alleles in individuals of Latino descent in gnomAD. At this time, the clinical significance of this variant is uncertain due to the absence of conclusive functional and genetic evidence.

Women's Health and Genetics/Laboratory Corporation of America, LabCorp
Classification: Uncertain significance. Last evaluated: 2026-01-19. Review status: criteria provided, single submitter. Criteria: LabCorp Variant Classification Summary - May 2015. Collection method: clinical testing. Allele origin: germline.
Comment: Variant summary: CFTR c.3025G>A (p.Ala1009Thr) results in a non-conservative amino acid change in the encoded protein sequence. Algorithms developed to predict the effect of missense changes on protein structure and function all suggest that this variant is likely to be disruptive. The variant allele was found at a frequency of 0.0001 in 253826 control chromosomes, predominantly at a frequency of 0.00029 within the Latino subpopulation in the gnomAD database. This frequency is not significantly higher than estimated for disease-causing variants in CFTR, allowing no conclusion about variant significance. c.3025G>A has been observedin individuals affected with idiopathic pancreatitis (example, Hamoir_2013, Yin_BRCA_2022), individuals screening for CF (example, Schrijver_2005, Lefterova_2016, Bozdogan_2020) as well as in healthy individuals (example, Pompei_2006, Morea_2005, Terlizzi_2019). These reports do not provide unequivocal conclusions about association of the variant with Cystic Fibrosis or other CFTR-related conditions. To our knowledge, no experimental evidence demonstrating an impact on protein function has been reported. The following publications have been ascertained in the context of this evaluation (PMID: 33572515, 32784480, 11504857, 26075876, 23751316, 26847993, 15536480, 16126774, 16251901, 15858154, 31005549, 35171259). ClinVar contains an entry for this variant (Variation ID: 53631). Based on the evidence outlined above, the variant was classified as uncertain significance.

Quest Diagnostics Nichols Institute San Juan Capistrano
Classification: Uncertain significance. Last evaluated: 2025-09-24. Review status: criteria provided, single submitter. Criteria: Quest Diagnostics criteria. Collection method: clinical testing. Allele origin: unknown.
Comment: The CFTR c.3025G>A (p.Ala1009Thr) variant has been reported in the published literature in individuals with cystic fibrosis (PMID: 15858154 (2005)), CFTR-related disorders (PMIDs: 35171259 (2022), 34996830 (2022), 23751316 (2013), 15858154 (2005)), and reportedly unaffected individuals (PMIDs: 16251901 (2006), 16126774 (2005)). The frequency of this variant in the general population (Genome Aggregation Database) is uninformative in the assessment of its pathogenicity. Analysis of this variant using bioinformatics tools for the prediction of the effect of amino acid changes on protein structure and function yielded conflicting predictions that this variant is deleterious or benign. Based on the available information, we are unable to determine the clinical significance of this variant.

Ambry Genetics
Classification: Uncertain significance for Cystic fibrosis. Last evaluated: 2025-03-21. Review status: criteria provided, single submitter. Criteria: Ambry Variant Classification Scheme 2023. Collection method: clinical testing. Allele origin: germline.
Comment: The p.A1009T variant (also known as c.3025G>A and 3157G>A), located in coding exon 19 of the CFTR gene, results from a G to A substitution at nucleotide position 3025. The alanine at codon 1009 is replaced by threonine, an amino acid with similar properties. This alteration was first reported in multiple individuals diagnosed with cystic fibrosis (CF); however, specific clinical information or the presence of a second alteration was not provided (Schrijver I et al. J Mol Diagn. 2005;7(2):289-99). This amino acid position is poorly conserved in available vertebrate species. In addition, the in silico prediction for this alteration is inconclusive. Based on the available evidence, the clinical significance of this variant remains unclear.

Mayo Clinic Laboratories, Mayo Clinic
Classification: Uncertain significance. Last evaluated: 2025-03-18. Review status: criteria provided, single submitter. Criteria: ACMG Guidelines, 2015. Collection method: clinical testing. Allele origin: germline. Observed: 2 variant alleles.
Comment: PM2_supporting

Blueprint Genetics
Classification: Uncertain significance. Last evaluated: 2024-10-17. Review status: criteria provided, single submitter. Criteria: ACMG Guidelines, 2015. Collection method: clinical testing. Allele origin: germline.

Genomic Medicine Center of Excellence, King Faisal Specialist Hospital and Research Centre
Classification: Uncertain significance for Cystic fibrosis. Last evaluated: 2024-04-04. Review status: criteria provided, single submitter. Criteria: ACMG Guidelines, 2015. Collection method: clinical testing. Allele origin: germline.

Labcorp Genetics (formerly Invitae), Labcorp
Classification: Uncertain significance for Cystic fibrosis. Last evaluated: 2022-04-07. Review status: criteria provided, single submitter. Criteria: Invitae Variant Classification Sherloc (09022015). Collection method: clinical testing. Allele origin: germline.
Comment: This sequence change replaces alanine, which is neutral and non-polar, with threonine, which is neutral and polar, at codon 1009 of the CFTR protein (p.Ala1009Thr). This variant is present in population databases (rs184724618, gnomAD 0.03%). This missense change has been observed in individual(s) with clinical features of CFTR-related conditions (PMID: 15858154, 23751316, 31005549, 32784480). ClinVar contains an entry for this variant (Variation ID: 53631). Algorithms developed to predict the effect of missense changes on protein structure and function (SIFT, PolyPhen-2, Align-GVGD) all suggest that this variant is likely to be tolerated. In summary, the available evidence is currently insufficient to determine the role of this variant in disease. Therefore, it has been classified as a Variant of Uncertain Significance.

Genome Diagnostics Laboratory, The Hospital for Sick Children
Classification: Uncertain significance for Cystic fibrosis. Last evaluated: 2021-07-21. Review status: criteria provided, single submitter. Criteria: ACMG Guidelines, 2015. Collection method: clinical testing. Allele origin: germline.

Genome-Nilou Lab
Classification: Uncertain significance for Cystic fibrosis. Last evaluated: 2021-07-14. Review status: criteria provided, single submitter. Criteria: ACMG Guidelines, 2015. Collection method: clinical testing. Allele origin: germline. Affected: no.

ARUP Laboratories, Molecular Genetics and Genomics, ARUP Laboratories
Classification: Uncertain significance. Last evaluated: 2020-08-01. Review status: criteria provided, single submitter. Criteria: ARUP Molecular Germline Variant Investigation Process. Collection method: clinical testing. Allele origin: germline.
Comment: The CFTR c.3025G>A; p.Ala1009Thr variant (rs184724618) is reported in the literature in the heterozygous state in individuals affected with cystic fibrosis or pancreatitis, but without a clear association with disease (Hamoir 2013, Schrijver 2005). This variant is reported in ClinVar (Variation ID: 53631), and is found in the general population with an overall allele frequency of 0.0096% (24/251160 alleles) in the Genome Aggregation Database. The alanine at codon 1009 is weakly conserved, and computational analyses (SIFT: damaging, PolyPhen-2: benign) predict conflicting effects of this variant on protein structure/function. Due to limited information, the clinical significance of the p.Ala1009Thr variant is uncertain at this time. References: Hamoir C et al. Clinical and morphological characteristics of sporadic genetically determined pancreatitis as compared to idiopathic pancreatitis: higher risk of pancreatic cancer in CFTR variants. Digestion. 2013;87(4):229-239. Schrijver I et al. Diagnostic testing by CFTR gene mutation analysis in a large group of Hispanics: novel mutations and assessment of a population-specific mutation spectrum. J Mol Diagn. 2005;7(2):289-299.

CeGaT Center for Human Genetics Tuebingen
Classification: Uncertain significance. Last evaluated: 2020-08-01. Review status: criteria provided, single submitter. Criteria: CeGaT Center For Human Genetics Tuebingen Variant Classification Criteria Version 2. Collection method: clinical testing. Allele origin: germline. Affected: yes. Observed: 1 variant allele.

Eurofins Ntd Llc (ga)
Classification: Uncertain significance. Last evaluated: 2018-04-09. Review status: criteria provided, single submitter. Criteria: EGL ClinVar v180209 classification definitions. Collection method: clinical testing. Allele origin: germline. Observed: 3 variant alleles, 3 heterozygotes.

Illumina Laboratory Services, Illumina
Classification: Uncertain significance for CFTR-Related Disorders. Last evaluated: 2017-04-28. Review status: criteria provided, single submitter. Criteria: ICSL Variant Classification Criteria 13 December 2019. Collection method: clinical testing. Allele origin: germline.
Comment: This variant was observed as part of a predisposition screen in an ostensibly healthy population. A literature search was performed for the gene, cDNA change, and amino acid change (where applicable). Publications were found based on this search. However, the evidence from the literature, in combination with allele frequency data from public databases where available, was not sufficient to rule this variant in or out of causing disease. Therefore, this variant is classified as a variant of unknown significance.

Natera, Inc.
Classification: Uncertain significance for CFTR-related disorders. Last evaluated: 2018-04-30. Review status: no assertion criteria provided. Collection method: clinical testing. Allele origin: germline. Not counted in ClinVar's aggregate classification.

Counsyl
Classification: Uncertain significance for Cystic fibrosis. Last evaluated: 2018-01-05. Review status: no assertion criteria provided. Collection method: clinical testing. Allele origin: unknown. Not counted in ClinVar's aggregate classification.

Literature cited by the submitters: PubMed 16126774 (cited by 4 submitters); PubMed 15858154 (cited by 8 submitters); PubMed 15536480 (cited by Women's Health and Genetics/Laboratory Corporation of America, LabCorp and Quest Diagnostics Nichols Institute San Juan Capistrano); PubMed 16251901 (cited by 4 submitters); PubMed 11504857 (cited by Women's Health and Genetics/Laboratory Corporation of America, LabCorp); PubMed 26847993 (cited by Women's Health and Genetics/Laboratory Corporation of America, LabCorp and Mayo Clinic Laboratories, Mayo Clinic); PubMed 26075876 (cited by Women's Health and Genetics/Laboratory Corporation of America, LabCorp); PubMed 23751316 (cited by 7 submitters); PubMed 31005549 (cited by 3 submitters); PubMed 32784480 (cited by 4 submitters); PubMed 33572515 (cited by 3 submitters); PubMed 35171259 (cited by 3 submitters); PubMed 38271453 (cited by Quest Diagnostics Nichols Institute San Juan Capistrano); PubMed 38515211 (cited by Quest Diagnostics Nichols Institute San Juan Capistrano); PubMed 34996830 (cited by Quest Diagnostics Nichols Institute San Juan Capistrano); PubMed 36409994 (cited by Quest Diagnostics Nichols Institute San Juan Capistrano and Mayo Clinic Laboratories, Mayo Clinic); PubMed 25735457 (cited by Mayo Clinic Laboratories, Mayo Clinic).

NM_000492.4(CFTR):c.3025G>A (p.Ala1009Thr)

Genes: CFTR (CF transmembrane conductance regulator; plus strand), CFTR-AS2 (CFTR antisense RNA 2; minus strand), LOC111674472 (DNase I hypersensitive sites in introns 16 and 17a of CFTR; plus strand). Cytogenetic location: 7q31.2.
Variant type: single nucleotide variant.
Coding change: c.3025G>A on transcript NM_000492.4 (MANE Select); coding-DNA position 3025, G replaced by A.
Protein change: p.Ala1009Thr; replaces alanine 1009 with threonine.
Molecular consequence: missense variant.
Genome position (GRCh38, 1-based): chr7:117,610,555, G>A. VCF-style: chr7-117610555-G-A. GRCh37 (hg19) VCF-style: chr7-117250609-G-A.
Other names: p.Ala1009Thr; short protein forms A1009T.
Identifiers: ClinVar variation 53631 (VCV000053631.81), dbSNP rs184724618, ClinGen allele CA241139.